The following is an entry in ClinVar:

NM_000369.5(TSHR):c.1555C>T (p.Arg519Cys)

Genes: TSHR (thyroid stimulating hormone receptor; plus strand), TSHR-AS1 (TSHR antisense RNA 1; minus strand). Cytogenetic location: 14q31.1.
Variant type: single nucleotide variant.
Coding change: c.1555C>T on transcript NM_000369.5 (MANE Select); coding-DNA position 1555, C replaced by T.
Protein change: p.Arg519Cys; replaces arginine 519 with cysteine.
Molecular consequence: missense variant.
Genome position (GRCh38, 1-based): chr14:81,143,613, C>T. VCF-style: chr14-81143613-C-T. GRCh37 (hg19) VCF-style: chr14-81609957-C-T.
Other names: short protein forms R519C.
Identifiers: ClinVar variation 2736136 (VCV002736136.7), dbSNP rs756016910, ClinGen allele CA7294479.
Genomic context (GRCh38, chr14:81,143,613, plus strand): 5'-TTCTTCACTGTCTTTGCAAGCGAGTTATCGGTGTATACGCTGACGGTCATCACCCTGGAG[C>T]GCTGGTATGCCATCACCTTCGCCATGCGCCTGGACCGGAAGATCCGCCTCAGGCACGCAT-3'
Protein context (NP_000360.2, residues 509-529): VYTLTVITLE[Arg519Cys]WYAITFAMRL

ClinVar aggregate classification (germline): Pathogenic. Review status: criteria provided, multiple submitters, no conflicts (2 of 4 stars). 4 submissions from 4 submitters: Pathogenic (4). Last evaluated 2025-12-30.

Conditions:
Hypothyroidism due to TSH receptor mutations. Also called: HYPOTHYROIDISM DUE TO UNRESPONSIVENESS TO THYROTROPIN; HYPOTHYROIDISM, CONGENITAL, DUE TO TSH RESISTANCE; HYPOTHYROIDISM, NONAUTOIMMUNE; THYROID-STIMULATING HORMONE, RESISTANCE TO; TSH RESISTANCE; Hypothyroidism, congenital, nongoitrous, 1. Identifiers: Orphanet 90673, MedGen C3493776, MONDO:0010142, OMIM 275200.
Familial hyperthyroidism due to mutations in TSH receptor. Also called: TOXIC THYROID HYPERPLASIA, AUTOSOMAL DOMINANT; HYPERTHYROIDISM, CONGENITAL NONAUTOIMMUNE; HYPERTHYROIDISM, NONAUTOIMMUNE, AUTOSOMAL DOMINANT. Identifiers: Orphanet 424, MedGen C1836706, MONDO:0012203, OMIM 609152.
Familial gestational hyperthyroidism. Identifiers: Orphanet 99819, MedGen C1863959, MONDO:0011309, OMIM 603373.

Allele frequency attached by ClinVar (database versions not stated): TOPMed 0.00001; gnomAD 0.00002; ExAC 0.00004.
gnomAD v4.1: 21 of 1,613,680 alleles (0.0013%); highest among the groups gnomAD compares: East Asian, 0.02%; no homozygotes.

Submissions (4):

3billion
Classification: Pathogenic for Hypothyroidism due to TSH receptor mutations. Last evaluated: 2025-12-30. Review status: criteria provided, single submitter. Criteria: ACMG Guidelines, 2015. Collection method: clinical testing. Allele origin: germline. Affected: yes.
Comment: The variant is observed at an extremely low frequency in the gnomAD v4.1.0 dataset (total allele frequency: 0.001%). Predicted Consequence/Location: Missense variant In silico tool predictions suggest damaging effect of the variant on gene or gene product [REVEL: 0.97 (>=0.6, sensitivity 0.68 and specificity 0.92); 3Cnet: 0.99 (> 0.75, sensitivity 0.96 and precision 0.92)]. The same nucleotide change resulting in the same amino acid change has been previously reported as pathogenic/likely pathogenic with strong evidence (ClinVar ID: VCV002736136 /PMID: 16756469). The variant has been reported to be in trans with a pathogenic variant as either compound heterozygous or homozygous in at least one similarly affected unrelated individual (PMID: 16756469). Different missense changes at the same codon (p.Arg519Gly, p.Arg519His) have been reported as pathogenic/likely pathogenic with strong evidence (ClinVar ID: VCV000886255, VCV002736133 /PMID: 16756469). Therefore, this variant is classified as Pathogenic according to the recommendation of ACMG/AMP guideline.

Women's Health and Genetics/Laboratory Corporation of America, LabCorp
Classification: Pathogenic for Hypothyroidism due to TSH receptor mutations. Last evaluated: 2024-10-16. Review status: criteria provided, single submitter. Criteria: LabCorp Variant Classification Summary - May 2015. Collection method: clinical testing. Allele origin: germline.
Comment: Variant summary: TSHR c.1555C>T (p.Arg519Cys) results in a non-conservative amino acid change in the encoded protein sequence. Five of five in-silico tools predict a damaging effect of the variant on protein function. The variant allele was found at a frequency of 1.6e-05 in 251190 control chromosomes (gnomAD). c.1555C>T has been reported in the literature in individuals affected with Hypothyroidism Due To TSH Receptor Mutations (e.g. Tsunekawa_2006, Tsunekawa_2014, Lee_2011, Park_2016). These data indicate that the variant is likely to be associated with disease. At least one publication reports experimental evidence evaluating an impact on protein function, and demonstrated that the variant severely decreased TSH binding and response to TSH stimulation (Tsunekawa_2006). The following publications have been ascertained in the context of this evaluation (PMID: 16756469, 21707688, 26709262, 24895636). ClinVar contains an entry for this variant (Variation ID: 2736136). Based on the evidence outlined above, the variant was classified as pathogenic.

Labcorp Genetics (formerly Invitae), Labcorp
Classification: Pathogenic. Last evaluated: 2023-09-08. Review status: criteria provided, single submitter. Criteria: Invitae Variant Classification Sherloc (09022015). Collection method: clinical testing. Allele origin: germline.
Comment: For these reasons, this variant has been classified as Pathogenic. This variant disrupts the p.Arg519 amino acid residue in TSHR. Other variant(s) that disrupt this residue have been determined to be pathogenic (PMID: 16756469). This suggests that this residue is clinically significant, and that variants that disrupt this residue are likely to be disease-causing. Experimental studies have shown that this missense change affects TSHR function (PMID: 16756469). Advanced modeling of protein sequence and biophysical properties (such as structural, functional, and spatial information, amino acid conservation, physicochemical variation, residue mobility, and thermodynamic stability) performed at Invitae indicates that this missense variant is expected to disrupt TSHR protein function. This missense change has been observed in individual(s) with clinical features of familial hypothyroidism (PMID: 16756469, 21707688, 24895636, 26709262). In at least one individual the data is consistent with being in trans (on the opposite chromosome) from a pathogenic variant. It has also been observed to segregate with disease in related individuals. This variant is present in population databases (rs756016910, gnomAD 0.02%). This sequence change replaces arginine, which is basic and polar, with cysteine, which is neutral and slightly polar, at codon 519 of the TSHR protein (p.Arg519Cys).

Juno Genomics, Hangzhou Juno Genomics, Inc
Classification: Pathogenic for Familial gestational hyperthyroidism; Familial hyperthyroidism due to mutations in TSH receptor; Hypothyroidism due to TSH receptor mutations. Review status: criteria provided, single submitter. Criteria: ACMG Guidelines, 2015. Collection method: clinical testing. Allele origin: germline.
Comment: Absent from controls (or at extremely low frequency if recessive) in Genome Aggregation Database.;Well-established in vitro or in vivo functional studies supportive of a damaging effect on the gene or gene product.;For recessive disorders, detected in trans with a pathogenic variant.;Co-segregation with disease in multiple affected family members.;Patient's phenotype or family history is highly specific for a disease with a single genetic etiology.

Literature cited by the submitters: PubMed 16756469 (cited by 3 submitters); PubMed 21707688 (cited by Women's Health and Genetics/Laboratory Corporation of America, LabCorp and Labcorp Genetics (formerly Invitae), Labcorp); PubMed 26709262 (cited by Women's Health and Genetics/Laboratory Corporation of America, LabCorp and Labcorp Genetics (formerly Invitae), Labcorp); PubMed 24895636 (cited by Women's Health and Genetics/Laboratory Corporation of America, LabCorp and Labcorp Genetics (formerly Invitae), Labcorp).